The following is an entry in ClinVar:

NM_000142.5(FGFR3):c.2100G>A (p.Val700=)

Gene: FGFR3 (fibroblast growth factor receptor 3; plus strand). Cytogenetic location: 4p16.3.
Variant type: single nucleotide variant.
Coding change: c.2100G>A on transcript NM_000142.5 (MANE Select); coding-DNA position 2100, G replaced by A.
Protein change: p.Val700=; no amino-acid change (valine 700 retained).
Molecular consequence: synonymous variant. On other transcripts: missense variant (1), non-coding transcript variant (1).
Genome position (GRCh38, 1-based): chr4:1,806,615, G>A. VCF-style: chr4-1806615-G-A. GRCh37 (hg19) VCF-style: chr4-1808342-G-A.
Other names: c.2106G>A, p.Val702= (NM_001163213.2); c.2103G>A, p.Val701= (NM_001354809.2); c.2032G>A, p.Gly678Arg (NM_001354810.2); c.1764G>A, p.Val588= (NM_022965.4); short protein forms G678R.
Identifiers: ClinVar variation 3061051 (VCV003061051.2), dbSNP rs2108812006, ClinGen allele CA355983804.

ClinVar aggregate classification (germline): Uncertain significance (0 of 4 stars; one submission).

Conditions:
FGFR3-related disorder. Also called: FGFR3-related disorders.

Submission:

PreventionGenetics, part of Exact Sciences
Classification: Uncertain significance for FGFR3-related condition. Last evaluated: 2024-02-05. Review status: no assertion criteria provided. Collection method: clinical testing. Allele origin: germline.
Comment: The FGFR3 c.2032G>A variant is predicted to result in the amino acid substitution p.Gly678Arg. To our knowledge, this variant has not been reported in the literature or in a large population database, indicating this variant is rare. At this time, the clinical significance of this variant is uncertain due to the absence of conclusive functional and genetic evidence.